The following is an entry in ClinVar:

ClinVar aggregate classification (germline): Uncertain significance (1 of 4 stars; one submission).

Conditions:
Inborn genetic diseases. Identifiers: MedGen C0950123, MeSH D030342.

gnomAD v4.1: 2 of 1,582,128 alleles (0.00013%); highest among the groups gnomAD compares: African/African-American, 0.0014%; no homozygotes.

Submission:

Ambry Genetics
Classification: Uncertain significance for Inborn genetic diseases. Last evaluated: 2026-01-03. Review status: criteria provided, single submitter. Criteria: Ambry Variant Classification Scheme 2023. Collection method: clinical testing. Allele origin: germline.
Comment: The p.I646M variant (also known as c.1938A>G), located in coding exon 13 of the ERCC6L2 gene, results from an A to G substitution at nucleotide position 1938. The isoleucine at codon 646 is replaced by methionine, an amino acid with highly similar properties. This amino acid position is conserved. In addition, this alteration is predicted to be tolerated by in silico analysis. Based on the available evidence, the clinical significance of this variant remains unclear.

NM_020207.7(ERCC6L2):c.1938A>G (p.Ile646Met)

Gene: ERCC6L2 (ERCC excision repair 6 like 2; plus strand). Cytogenetic location: 9q22.32.
Variant type: single nucleotide variant.
Coding change: c.1938A>G on transcript NM_020207.7 (MANE Select); coding-DNA position 1938, A replaced by G.
Protein change: p.Ile646Met; replaces isoleucine 646 with methionine.
Molecular consequence: missense variant. On other transcripts: non-coding transcript variant (1).
Genome position (GRCh38, 1-based): chr9:95,956,004, A>G. VCF-style: chr9-95956004-A-G. GRCh37 (hg19) VCF-style: chr9-98718286-A-G.
Other names: c.1938A>G, p.Ile646Met (NM_001010895.4, NM_001375291.1, NM_001375292.1 and 2 more transcripts); short protein forms I646M.
Identifiers: ClinVar variation 4844053 (VCV004844053.1).
Genomic context (GRCh38, chr9:95,956,004, plus strand): 5'-CAAAGTGCTTAGGCTGATATCCTTGGGAACTGTGGAGGAAATCATGTATTTACGACAGAT[A>G]TACAAGCAGGTAAATATGTTTCCCTTTTTCTGTTTCAGAGGTCAACATTTATCTGTTTTC-3'
Protein context (NP_064592.3, residues 636-656): TVEEIMYLRQ[Ile646Met]YKQQLHCVVV